The following is an entry in ClinVar:

NM_022166.4(XYLT1):c.2783C>T (p.Pro928Leu)

Gene: XYLT1 (xylosyltransferase 1; minus strand). Cytogenetic location: 16p12.3.
Variant type: single nucleotide variant.
Coding change: c.2783C>T on transcript NM_022166.4 (MANE Select); coding-DNA position 2783, C replaced by T.
Protein change: p.Pro928Leu; replaces proline 928 with leucine.
Molecular consequence: missense variant.
Genome position (GRCh38, 1-based): chr16:17,108,792, G>A on the plus strand (C>T on the coding strand, the complement: XYLT1 is on the minus strand). VCF-style: chr16-17108792-G-A. GRCh37 (hg19) VCF-style: chr16-17202649-G-A.
Other names: short protein forms P928L.
Identifiers: ClinVar variation 1395380 (VCV001395380.5), dbSNP rs909102121, ClinGen allele CA279077838.

ClinVar aggregate classification (germline): Uncertain significance (1 of 4 stars; one submission).

Conditions:
Desbuquois dysplasia 1 (DBQD1). Also called: MICROMELIC DWARFISM WITH VERTEBRAL AND METAPHYSEAL ABNORMALITIES AND ADVANCED CARPOTARSAL OSSIFICATION; DESBUQUOIS DYSPLASIA 1, KIM VARIANT. Identifiers: Orphanet 1425, MedGen C4012146, MONDO:0009629, OMIM 251450.

Allele frequency attached by ClinVar (database versions not stated): gnomAD exomes 0.00001 and 0.00002; gnomAD 0.00003; TOPMed 0.00003.
gnomAD v4.1: 18 of 1,611,178 alleles (0.0011%); highest among the groups gnomAD compares: Admixed American, 0.01%; no homozygotes.

Submission:

Labcorp Genetics (formerly Invitae), Labcorp
Classification: Uncertain significance for Desbuquois dysplasia 1. Last evaluated: 2022-10-24. Review status: criteria provided, single submitter. Criteria: Invitae Variant Classification Sherloc (09022015). Collection method: clinical testing. Allele origin: germline.
Comment: Advanced modeling of protein sequence and biophysical properties (such as structural, functional, and spatial information, amino acid conservation, physicochemical variation, residue mobility, and thermodynamic stability) performed at Invitae indicates that this missense variant is not expected to disrupt XYLT1 protein function. In summary, the available evidence is currently insufficient to determine the role of this variant in disease. Therefore, it has been classified as a Variant of Uncertain Significance. This variant has not been reported in the literature in individuals affected with XYLT1-related conditions. This sequence change replaces proline, which is neutral and non-polar, with leucine, which is neutral and non-polar, at codon 928 of the XYLT1 protein (p.Pro928Leu). This variant is present in population databases (no rsID available, gnomAD 0.01%). ClinVar contains an entry for this variant (Variation ID: 1395380).